The following is an entry in ClinVar:

ClinVar aggregate classification (germline): Pathogenic (1 of 4 stars; one submission).

Submission:

Labcorp Genetics (formerly Invitae), Labcorp
Classification: Pathogenic. Last evaluated: 2023-01-14. Review status: criteria provided, single submitter. Criteria: Invitae Variant Classification Sherloc (09022015). Collection method: clinical testing. Allele origin: unknown.
Comment: For these reasons, this variant has been classified as Pathogenic. This variant has not been reported in the literature in individuals affected with TMC1-related conditions. This variant is a gross deletion of the genomic region encompassing exon(s) 5 of the TMC1 gene, which includes the initiator codon. This deletion extends beyond the assayed region for this gene and therefore may encompass additional genes. It is expected to result in an absent or disrupted protein product. Loss-of-function variants in TMC1 are known to be pathogenic (PMID: 11850618, 22105175).

Literature cited by the submitters: PubMed 11850618; PubMed 22105175.

NC_000009.11:g.(?_75263565)_(75263600_?)del

Gene: TMC1 (transmembrane channel like 1; plus strand). Cytogenetic location: 9q21.13.
Variant type: Deletion.
Identifiers: ClinVar variation 3245392 (VCV003245392.1).